The following is an entry in ClinVar:

ClinVar aggregate classification (germline): Uncertain significance (1 of 4 stars; one submission).

Conditions:
Fanconi anemia (FA). Also called: Fanconi's anemia. Identifiers: Orphanet 84, MedGen C0015625, MeSH D005199, MONDO:0019391.

Submission:

Labcorp Genetics (formerly Invitae), Labcorp
Classification: Uncertain significance for Fanconi anemia. Last evaluated: 2022-04-30. Review status: criteria provided, single submitter. Criteria: Invitae Variant Classification Sherloc (09022015). Collection method: clinical testing. Allele origin: germline.
Comment: This sequence change replaces aspartic acid, which is acidic and polar, with tyrosine, which is neutral and polar, at codon 280 of the FANCF protein (p.Asp280Tyr). In summary, the available evidence is currently insufficient to determine the role of this variant in disease. Therefore, it has been classified as a Variant of Uncertain Significance. Algorithms developed to predict the effect of missense changes on protein structure and function are either unavailable or do not agree on the potential impact of this missense change (SIFT: "Deleterious"; PolyPhen-2: "Probably Damaging"; Align-GVGD: "Class C0"). This variant has not been reported in the literature in individuals affected with FANCF-related conditions. This variant is not present in population databases (gnomAD no frequency).

NM_022725.4(FANCF):c.838G>T (p.Asp280Tyr)

Gene: FANCF (FA complementation group F; minus strand). Cytogenetic location: 11p14.3.
Variant type: single nucleotide variant.
Coding change: c.838G>T on transcript NM_022725.4 (MANE Select); coding-DNA position 838, G replaced by T.
Protein change: p.Asp280Tyr; replaces aspartic acid 280 with tyrosine.
Molecular consequence: missense variant.
Genome position (GRCh38, 1-based): chr11:22,624,973, C>A on the plus strand (G>T on the coding strand, the complement: FANCF is on the minus strand). VCF-style: chr11-22624973-C-A. GRCh37 (hg19) VCF-style: chr11-22646519-C-A.
Other names: short protein forms D280Y.
Identifiers: ClinVar variation 2132323 (VCV002132323.4), dbSNP rs1858619295, ClinGen allele CA380058232.